The following is an entry in ClinVar:

ClinVar aggregate classification (germline): Likely benign. Review status: criteria provided, multiple submitters, no conflicts (2 of 4 stars). 2 submissions from 2 submitters: Likely benign (2). Last evaluated 2025-05-01.

Conditions:
Chondrodysplasia punctata, brachytelephalangic, autosomal. Also called: BRACHYTELEPHALANGIC CHONDRODYSPLASIA PUNCTATA. Identifiers: MedGen C1844853, MONDO:0011238, OMIM 602497.

Allele frequency attached by ClinVar (database versions not stated): TOPMed 0.00002; gnomAD exomes 0.00003.
gnomAD v4.1: 33 of 1,210,758 alleles (0.0027%); highest among the groups gnomAD compares: Middle Eastern, 0.023%; no homozygotes.

Submissions (2):

CeGaT Center for Human Genetics Tuebingen
Classification: Likely benign. Last evaluated: 2025-05-01. Review status: criteria provided, single submitter. Criteria: CeGaT Center For Human Genetics Tuebingen Variant Classification Criteria Version 2. Collection method: clinical testing. Allele origin: germline. Affected: yes. Observed: 1 variant allele.
Comment: ARSL: BP4, BP7, BS2

Labcorp Genetics (formerly Invitae), Labcorp
Classification: Likely benign for Chondrodysplasia punctata, brachytelephalangic, autosomal. Last evaluated: 2024-04-24. Review status: criteria provided, single submitter. Criteria: Invitae Variant Classification Sherloc (09022015). Collection method: clinical testing. Allele origin: germline.

NM_000047.3(ARSL):c.948C>T (p.His316=)

Gene: ARSL (arylsulfatase L; minus strand). Cytogenetic location: Xp22.33.
Variant type: single nucleotide variant.
Coding change: c.948C>T on transcript NM_000047.3 (MANE Select); coding-DNA position 948, C replaced by T.
Protein change: p.His316=; no amino-acid change (histidine 316 retained).
Molecular consequence: synonymous variant.
Genome position (GRCh38, 1-based): chrX:2,946,041, G>A on the plus strand (C>T on the coding strand, the complement: ARSL is on the minus strand). VCF-style: chrX-2946041-G-A. GRCh37 (hg19) VCF-style: chrX-2864082-G-A.
Other names: c.1023C>T, p.His341= (NM_001282628.2, NM_001369080.1); c.786C>T, p.His262= (NM_001282631.2); c.975C>T, p.His325= (NM_001369079.1).
Identifiers: ClinVar variation 2783648 (VCV002783648.13), dbSNP rs2089374279, ClinGen allele CA515316117.